The following is an entry in ClinVar:

NM_016284.5(CNOT1):c.6964CTT[1] (p.Leu2323del)

Genes: CNOT1 (CCR4-NOT transcription complex subunit 1; minus strand), SETD6 (SET domain containing 6, protein lysine methyltransferase; plus strand). Cytogenetic location: 16q21.
Variant type: Microsatellite.
Coding change: c.6964CTT[1] on transcript NM_016284.5 (MANE Select); one copy of the 3-base unit CTT starting at c.6964; the reference has two copies in a row; one copy, 3 bases deleted.
Protein change: p.Leu2323del; deletes leucine 2323.
Molecular consequence: 3 prime UTR variant (on NM_001160305.4). On other transcripts: non-coding transcript variant (1).
Genome position (GRCh38, 1-based): chr16:58,521,266-58,521,268, AAG deleted on the plus strand (CTT on the coding strand, the reverse complement: CNOT1 is on the minus strand); deleting any 3 consecutive bases within chr16:58,521,266-58,521,272 gives the same sequence; the position shown is the placement nearest the transcript's 3' end. VCF-style (leftmost placement, unchanged base first): chr16-58521265-TAAG-T. GRCh37 (hg19) VCF-style: chr16-58555169-TAAG-T.
Other names: c.6949CTT[1], p.Leu2318del (NM_001265612.2); c.*2238AGA[1] (NM_001160305.4); short protein forms L2318del, L2323del.
Identifiers: ClinVar variation 4681823 (VCV004681823.5).

ClinVar aggregate classification (germline): Uncertain significance (1 of 4 stars; one submission).

Submission:

CeGaT Center for Human Genetics Tuebingen
Classification: Uncertain significance. Last evaluated: 2025-12-01. Review status: criteria provided, single submitter. Criteria: CeGaT Center For Human Genetics Tuebingen Variant Classification Criteria Version 2. Collection method: clinical testing. Allele origin: germline. Affected: yes. Observed: 1 variant allele.
Comment: CNOT1: PM2, PM4:Supporting